The following is an entry in ClinVar:

ClinVar aggregate classification (germline): Benign. Review status: criteria provided, multiple submitters, no conflicts (2 of 4 stars). 7 submissions from 6 submitters: Benign (7). Last evaluated 2026-02-04.

Conditions:
Weill-Marchesani syndrome. Also called: WM Syndrome; Mesodermal dysmorphodystrophy congenital. Identifiers: Orphanet 3449, MedGen C0265313, MONDO:0018096.
Glaucoma 3, primary congenital, D. Identifiers: Orphanet 98976, MedGen C2751316, MONDO:0013122, OMIM 613086.

Allele frequency attached by ClinVar (database versions not stated): gnomAD exomes 0.05512 and 0.05965; ExAC 0.06041; gnomAD 0.06402 and 0.06415; ESP Exome Variant Server 0.06676; TOPMed 0.06713; 1000 Genomes Project 0.07049; 1000 Genomes Project 30x 0.07074.
gnomAD v4.1: 90,336 of 1,613,186 alleles (5.6%); highest among the groups gnomAD compares: Middle Eastern, 9.6%; 2,742 homozygotes.

Submissions (7):

Labcorp Genetics (formerly Invitae), Labcorp
Classification: Benign. Last evaluated: 2026-02-04. Review status: criteria provided, single submitter. Criteria: Invitae Variant Classification Sherloc (09022015). Collection method: clinical testing. Allele origin: germline.

Blueprint Genetics
Classification: Benign. Last evaluated: 2024-11-27. Review status: criteria provided, single submitter. Criteria: ACMG Guidelines, 2015. Collection method: clinical testing. Allele origin: germline.

GeneDx
Classification: Benign. Last evaluated: 2018-05-01. Review status: criteria provided, single submitter. Criteria: GeneDx Variant Classification (06012015). Collection method: clinical testing. Allele origin: germline. Affected: yes.
Comment: This variant is considered likely benign or benign based on one or more of the following criteria: it is a conservative change, it occurs at a poorly conserved position in the protein, it is predicted to be benign by multiple in silico algorithms, and/or has population frequency not consistent with disease.

Illumina Laboratory Services, Illumina
Classification: Benign for Weill-Marchesani syndrome. Last evaluated: 2018-01-13. Review status: criteria provided, single submitter. Criteria: ICSL Variant Classification Criteria 13 December 2019. Collection method: clinical testing. Allele origin: germline.
Comment: This variant was observed in the ICSL laboratory as part of a predisposition screen in an ostensibly healthy population. It had not been previously curated by ICSL or reported in the Human Gene Mutation Database (HGMD: prior to June 1st, 2018), and was therefore a candidate for classification through an automated scoring system. Utilizing variant allele frequency, disease prevalence and penetrance estimates, and inheritance mode, an automated score was calculated to assess if this variant is too frequent to cause the disease. Based on the score and internal cut-off values, a variant classified as benign is not then subjected to further curation. The score for this variant resulted in a classification of benign for this disease.

Illumina Laboratory Services, Illumina
Classification: Benign for Glaucoma 3, primary congenital, D. Last evaluated: 2018-01-13. Review status: criteria provided, single submitter. Criteria: ICSL Variant Classification Criteria 13 December 2019. Collection method: clinical testing. Allele origin: germline.
Comment: the same text as in the submission from Illumina Laboratory Services, Illumina above.

Breakthrough Genomics
Classification: Benign. Review status: criteria provided, single submitter. Criteria: ACMG Guidelines, 2015. Collection method: not provided. Allele origin: germline. Inheritance: Autosomal recessive inheritance. Affected: yes.

PreventionGenetics, part of Exact Sciences
Classification: Benign. Review status: criteria provided, single submitter. Criteria: ACMG Guidelines, 2015. Collection method: clinical testing. Allele origin: germline.

NM_000428.3(LTBP2):c.1287G>A (p.Leu429=)

Gene: LTBP2 (latent transforming growth factor beta binding protein 2; minus strand). Cytogenetic location: 14q24.3.
Variant type: single nucleotide variant.
Coding change: c.1287G>A on transcript NM_000428.3 (MANE Select); coding-DNA position 1287, G replaced by A.
Protein change: p.Leu429=; no amino-acid change (leucine 429 retained).
Molecular consequence: synonymous variant.
Genome position (GRCh38, 1-based): chr14:74,552,299, C>T on the plus strand (G>A on the coding strand, the complement: LTBP2 is on the minus strand). VCF-style: chr14-74552299-C-T. GRCh37 (hg19) VCF-style: chr14-75019002-C-T.
Identifiers: ClinVar variation 256096 (VCV000256096.16), dbSNP rs61738025, ClinGen allele CA7269929.